The following is an entry in ClinVar:

ClinVar aggregate classification (germline): Uncertain significance (1 of 4 stars; one submission).

Allele frequency attached by ClinVar (database versions not stated): gnomAD exomes 0.00002; ExAC 0.00003; gnomAD 0.00003; TOPMed 0.00003.
gnomAD v4.1: 43 of 1,614,040 alleles (0.0027%); highest among the groups gnomAD compares: Non-Finnish European, 0.0031%; no homozygotes.

Submission:

Labcorp Genetics (formerly Invitae), Labcorp
Classification: Uncertain significance. Last evaluated: 2022-12-20. Review status: criteria provided, single submitter. Criteria: Invitae Variant Classification Sherloc (09022015). Collection method: clinical testing. Allele origin: germline.
Comment: Algorithms developed to predict the effect of missense changes on protein structure and function are either unavailable or do not agree on the potential impact of this missense change (SIFT: "Deleterious"; PolyPhen-2: "Probably Damaging"; Align-GVGD: "Class C0"). In summary, the available evidence is currently insufficient to determine the role of this variant in disease. Therefore, it has been classified as a Variant of Uncertain Significance. This variant has not been reported in the literature in individuals affected with ERBIN-related conditions. This variant is present in population databases (rs751121524, gnomAD 0.01%). This sequence change replaces lysine, which is basic and polar, with glutamic acid, which is acidic and polar, at codon 1171 of the ERBIN protein (p.Lys1171Glu).

NM_001253697.2(ERBIN):c.3511A>G (p.Lys1171Glu)

Gene: ERBIN (erbb2 interacting protein; plus strand). Cytogenetic location: 5q12.3.
Variant type: single nucleotide variant.
Coding change: c.3511A>G on transcript NM_001253697.2 (MANE Select); coding-DNA position 3511, A replaced by G.
Protein change: p.Lys1171Glu; replaces lysine 1171 with glutamic acid.
Molecular consequence: missense variant.
Genome position (GRCh38, 1-based): chr5:66,054,829, A>G. VCF-style: chr5-66054829-A-G. GRCh37 (hg19) VCF-style: chr5-65350657-A-G.
Other names: c.3511A>G, p.Lys1171Glu (NM_001006600.3, NM_001253698.2, NM_001253699.2 and 1 more transcripts); c.3499A>G, p.Lys1167Glu (NM_001253701.2); short protein forms K1167E, K1171E.
Identifiers: ClinVar variation 2910906 (VCV002910906.3), dbSNP rs751121524, ClinGen allele CA3286668.